The following is an entry in ClinVar:

ClinVar aggregate classification (germline): Likely benign (1 of 4 stars; one submission).

Submission:

CeGaT Center for Human Genetics Tuebingen
Classification: Likely benign. Last evaluated: 2026-09-01. Review status: criteria provided, single submitter. Criteria: CeGaT Center For Human Genetics Tuebingen Variant Classification Criteria Version 2. Collection method: clinical testing. Allele origin: germline. Affected: yes. Observed: 1 variant allele.
Comment: GOSR2: PM2:Supporting, BP4, BP7

NM_004287.5(GOSR2):c.432G>A (p.Gly144=)

Genes: GOSR2 (golgi SNAP receptor complex member 2; plus strand), LRRC37A2 (leucine rich repeat containing 37 member A2). Cytogenetic location: 17q21.32.
Variant type: single nucleotide variant.
Coding change: c.432G>A on transcript NM_004287.5 (MANE Select); coding-DNA position 432, G replaced by A.
Protein change: p.Gly144=; no amino-acid change (glycine 144 retained).
Molecular consequence: synonymous variant. On other transcripts: non-coding transcript variant (1), intron variant (4).
Genome position (GRCh38, 1-based): chr17:46,935,124, G>A. VCF-style: chr17-46935124-G-A. GRCh37 (hg19) VCF-style: chr17-45012490-G-A.
Other names: c.432G>A, p.Gly144= (NM_001012511.3, NM_001321133.2, NM_054022.4); c.429G>A, p.Gly143= (NM_001353114.2); c.378G>A, p.Gly126= (NM_001363851.2); c.282+2925G>A (NM_001321134.2); c.336+2925G>A (NM_001330252.2); c.333+2925G>A (NM_001353115.2, NM_001353116.2).
Identifiers: ClinVar variation 5041704 (VCV005041704.1).